The following is an entry in ClinVar:

ClinVar aggregate classification (germline): Pathogenic/Likely pathogenic. Review status: criteria provided, multiple submitters, no conflicts (2 of 4 stars). 4 submissions from 4 submitters: Pathogenic (2); Likely pathogenic (2). Last evaluated 2025-12-15.

Conditions:
Inborn genetic diseases. Identifiers: MedGen C0950123, MeSH D030342.
Tyrosinase-positive oculocutaneous albinism (OCA2). Also called: Oculocutaneous albinism type 2; Albinism, oculocutaneous, type II; ALBINISM II. Identifiers: Orphanet 79432, MedGen C0268495, MONDO:0008746, OMIM 203200.

Allele frequency attached by ClinVar (database versions not stated): gnomAD exomes below 0.00001 and 0.00001; TOPMed below 0.00001.
gnomAD v4.1: 6 of 1,613,994 alleles (0.00037%); highest among the groups gnomAD compares: Admixed American, 0.005%; no homozygotes.

Submissions (4):

Ambry Genetics
Classification: Pathogenic for Inborn genetic diseases. Last evaluated: 2025-12-15. Review status: criteria provided, single submitter. Criteria: Ambry Variant Classification Scheme 2023. Collection method: clinical testing. Allele origin: germline.
Comment: The c.1000G>A (p.A334T) alteration is located in exon 9 (coding exon 8) of the OCA2 gene. This alteration results from a G to A substitution at nucleotide position 1000, causing the alanine (A) at amino acid position 334 to be replaced by a threonine (T). Based on data from gnomAD, the A allele has an overall frequency of 0.001% (3/251100) total alleles studied. This variant has been identified in the homozygous state and/or in conjunction with other OCA2 variants in individuals with features consistent with OCA2-related oculocutaneous albinism (external communication). This amino acid position is highly conserved in available vertebrate species. This alteration is predicted to be deleterious by in silico analysis. Based on the available evidence, this alteration is classified as pathogenic.

GeneDx
Classification: Likely pathogenic. Last evaluated: 2025-08-26. Review status: criteria provided, single submitter. Criteria: GeneDx Variant Classification Process June 2021. Collection method: clinical testing. Allele origin: germline. Affected: yes.
Comment: In silico analysis supports that this missense variant has a deleterious effect on protein structure/function; Has not been previously published as pathogenic or benign to our knowledge; This variant is associated with the following publications: (PMID: 18821858, 26165494, 29437493)

Labcorp Genetics (formerly Invitae), Labcorp
Classification: Pathogenic. Last evaluated: 2025-07-24. Review status: criteria provided, single submitter. Criteria: Invitae Variant Classification Sherloc (09022015). Collection method: clinical testing. Allele origin: germline.
Comment: This sequence change replaces alanine, which is neutral and non-polar, with threonine, which is neutral and polar, at codon 334 of the OCA2 protein (p.Ala334Thr). This variant is present in population databases (no rsID available, gnomAD 0.003%). This missense change has been observed in individuals with oculocutaneous albinism (internal data). ClinVar contains an entry for this variant (Variation ID: 522150). Invitae Evidence Modeling of protein sequence and biophysical properties (such as structural, functional, and spatial information, amino acid conservation, physicochemical variation, residue mobility, and thermodynamic stability) has been performed for this missense variant. However, the output from this modeling did not meet the statistical confidence thresholds required to predict the impact of this variant on OCA2 protein function. This variant disrupts the p.Ala334 amino acid residue in OCA2. Other variant(s) that disrupt this residue have been determined to be pathogenic (PMID: 29345414). This suggests that this residue is clinically significant, and that variants that disrupt this residue are likely to be disease-causing. For these reasons, this variant has been classified as Pathogenic.

Genome-Nilou Lab
Classification: Likely pathogenic for Tyrosinase-positive oculocutaneous albinism. Last evaluated: 2021-11-07. Review status: criteria provided, single submitter. Criteria: ACMG Guidelines, 2015. Collection method: clinical testing. Allele origin: germline. Affected: no.

Literature cited by the submitters: PubMed 10649493 (cited by Ambry Genetics); PubMed 29345414 (cited by Labcorp Genetics (formerly Invitae), Labcorp).

NM_000275.3(OCA2):c.1000G>A (p.Ala334Thr)

Gene: OCA2 (OCA2 melanosomal transmembrane protein; minus strand). Cytogenetic location: 15q13.1.
Variant type: single nucleotide variant.
Coding change: c.1000G>A on transcript NM_000275.3 (MANE Select); coding-DNA position 1000, G replaced by A.
Protein change: p.Ala334Thr; replaces alanine 334 with threonine.
Molecular consequence: missense variant.
Genome position (GRCh38, 1-based): chr15:28,014,820, C>T on the plus strand (G>A on the coding strand, the complement: OCA2 is on the minus strand). VCF-style: chr15-28014820-C-T. GRCh37 (hg19) VCF-style: chr15-28259966-C-T.
Other names: c.1000G>A, p.Ala334Thr (NM_001300984.2); short protein forms A334T.
Identifiers: ClinVar variation 522150 (VCV000522150.19), dbSNP rs1456118236, ClinGen allele CA391364893.